The following is an entry in ClinVar:

NM_001174089.2(SLC4A11):c.2394_2412del (p.Tyr799fs)

Gene: SLC4A11 (solute carrier family 4 member 11; minus strand). Cytogenetic location: 20p13.
Variant type: Deletion.
Coding change: c.2394_2412del on transcript NM_001174089.2 (MANE Select); coding-DNA positions 2394 to 2412, 19 bases deleted (GTACCCCCCGACACACTAC).
Protein change: p.Tyr799fs; shifts the reading frame from tyrosine 799.
Molecular consequence: frameshift variant. On other transcripts: non-coding transcript variant (3).
Genome position (GRCh38, 1-based): chr20:3,228,405-3,228,423, GTAGTGTGTCGGGGGGTAC deleted on the plus strand (GTACCCCCCGACACACTAC on the coding strand, the reverse complement: SLC4A11 is on the minus strand); deleting any 19 consecutive bases within chr20:3,228,405-3,228,424 gives the same sequence; the c. name uses the placement nearest the transcript's 3' end. VCF-style (leftmost placement, unchanged base first): chr20-3228404-TGTAGTGTGTCGGGGGGTAC-T. GRCh37 (hg19) VCF-style: chr20-3209050-TGTAGTGTGTCGGGGGGTAC-T.
Other names: c.2523_2541del, p.Tyr842fs (NM_001174090.2); c.2280_2298del, p.Tyr761fs (NM_001363745.2); c.2337_2355del, p.Tyr780fs (NM_001400277.1, NM_001400278.1, NM_001400279.1); c.2409_2427del, p.Tyr804fs (NM_001400280.1); c.2442_2460del, p.Tyr815fs (NM_032034.4); short protein forms Y761fs, Y780fs, Y799fs, Y804fs, Y815fs, Y842fs.
Identifiers: ClinVar variation 4531751 (VCV004531751.1).
Genomic context (GRCh38, chr20:3,228,404, plus strand): 5'-GCAGCTGAAGCACCTGCAGGCCCGTGAAGTAGTGGATCTTCCTCTGGGGCACCCTCCGGA[TGTAGTGTGTCGGGGGGTAC>T]GCAGTCTGTGGGCGGCAGGGACCGGGTGTGGGCAGGCATGGGGCTGTGTCCCCACCCACG-3'

ClinVar aggregate classification (germline): Pathogenic (1 of 4 stars; one submission).

Conditions:
Corneal dystrophy, Fuchs endothelial, 4 (FECD4). Identifiers: Orphanet 98974, MedGen C2750450, MONDO:0013204, OMIM 613268.

Submission:

Victorian Clinical Genetics Services, Murdoch Childrens Research Institute
Classification: Pathogenic for Corneal dystrophy, Fuchs endothelial, 4. Last evaluated: 2025-09-15. Review status: criteria provided, single submitter. Criteria: ACMG Guidelines, 2015. Collection method: clinical testing. Allele origin: germline.
Comment: This variant is classified as Pathogenic. Evidence in support of pathogenic classification: Variant is predicted to cause nonsense-mediated decay (NMD) and loss of protein (premature termination codon is located at least 54 nucleotides upstream of the final exon-exon junction); Variant is present in gnomAD <0.01 (v4: 3 heterozygote(s), 0 homozygote(s)); Other NMD-predicted variant(s) comparable to the one identified in this case have very strong previous evidence for pathogenicity (DECIPHER). Additional information: This variant is heterozygous; This gene is associated with both recessive and dominant disease (OMIM, PMID: 18024964); This variant has no previous evidence of pathogenicity; No published evidence of segregation with disease has been identified for this variant; No published functional evidence has been identified for this variant; Loss of function is a known mechanism of disease in this gene and is associated with corneal endothelial dystrophy (MIM#217700), corneal endothelial dystrophy and perceptive deafness (MIM#217400), and Fuchs endothelial corneal dystrophy 4 (MIM#613268).

Literature cited by the submitters: PubMed 18024964.